The following is an entry in ClinVar:

ClinVar aggregate classification (germline): Pathogenic/Likely pathogenic. Review status: criteria provided, multiple submitters, no conflicts (2 of 4 stars). 4 submissions from 4 submitters: Pathogenic (2); Likely pathogenic (2). Last evaluated 2026-08-28.

Conditions:
PDE6C-related disorder. Also called: PDE6C-related condition.
Cone dystrophy 4 (COD4). Identifiers: Orphanet 49382, MedGen C2751308, MONDO:0013129, OMIM 613093.

Allele frequency attached by ClinVar (database versions not stated): ExAC 0.00001; TOPMed 0.00001.
gnomAD v4.1: 7 of 1,612,352 alleles (0.00043%); highest among the groups gnomAD compares: East Asian, 0.0045%; no homozygotes.

Submissions (4):

3billion
Classification: Likely pathogenic for Cone dystrophy 4. Last evaluated: 2026-08-28. Review status: criteria provided, single submitter. Criteria: ACMG Guidelines, 2015. Collection method: clinical testing. Allele origin: germline. Inheritance: Autosomal recessive inheritance. Affected: yes.
Comment: The variant is observed at an extremely low frequency in the gnomAD v4.1.0 dataset (total allele frequency: <0.001%). Predicted Consequence/Location: Missense variant In silico tool predictions suggest damaging effect of the variant on gene or gene product [REVEL: 0.809 (>= 0.644, sensitivity 0.68 and specificity 0.92)]. The same nucleotide change resulting in the same amino acid change has been previously reported as pathogenic/likely pathogenic with strong evidence (ClinVar ID: VCV000835028.11 / PMID: 26992781). The variant has been reported to be in trans (confirmed or potential) with an additional pathogenic variant or VUS in at least one similarly affected unrelated individual (PMID: 25605338, 26992781). Therefore, this variant is classified as Likely pathogenic (PS1_S, PM2_P, PM3_M, PP3_P) according to the recommendation of ACMG/AMP guideline.

Dasa
Classification: Likely pathogenic. Last evaluated: 2025-12-15. Review status: criteria provided, single submitter. Criteria: DASA Assertion Criteria. Collection method: clinical testing. Allele origin: germline.
Comment: NM_006204.4(PDE6C):c.1771G>A (p.Glu591Lys) is a missense variant that results in the substitution of glutamic acid with lysine. Segregation data support an association with disease in the reported family/families (PMID: 25605338; PMID: 26992781; PMID: 35052368). This variant has been recurrently observed in individuals with PDE6C-related disorders (PMID: 25605338; PMID: 26992781; PMID: 35052368). Also, this variant is rare in population databases. Computational evidence supports a deleterious effect. Based on the currently available evidence, this variant is classified as likely pathogenic.

Labcorp Genetics (formerly Invitae), Labcorp
Classification: Pathogenic. Last evaluated: 2023-11-10. Review status: criteria provided, single submitter. Criteria: Invitae Variant Classification Sherloc (09022015). Collection method: clinical testing. Allele origin: germline.
Comment: This sequence change replaces glutamic acid, which is acidic and polar, with lysine, which is basic and polar, at codon 591 of the PDE6C protein (p.Glu591Lys). This variant is present in population databases (rs752963712, gnomAD 0.006%). This missense change has been observed in individual(s) with PDE6C-related conditions (PMID: 25605338, 26992781, 35052368; Invitae). In at least one individual the data is consistent with being in trans (on the opposite chromosome) from a pathogenic variant. It has also been observed to segregate with disease in related individuals. ClinVar contains an entry for this variant (Variation ID: 835028). Advanced modeling of protein sequence and biophysical properties (such as structural, functional, and spatial information, amino acid conservation, physicochemical variation, residue mobility, and thermodynamic stability) performed at Invitae indicates that this missense variant is expected to disrupt PDE6C protein function with a positive predictive value of 80%. For these reasons, this variant has been classified as Pathogenic.

Blueprint Genetics
Classification: Pathogenic for PDE6C-related disorders. Last evaluated: 2021-12-30. Review status: criteria provided, single submitter. Criteria: ACMG Guidelines, 2015. Collection method: clinical testing. Allele origin: germline. Affected: yes. Observed: 3 variant alleles.

Literature cited by the submitters: PubMed 26992781 (cited by 3 submitters); PubMed 25605338 (cited by 3 submitters); PubMed 35052368 (cited by Dasa and Labcorp Genetics (formerly Invitae), Labcorp); PubMed 32306724 (cited by Dasa).

NM_006204.4(PDE6C):c.1771G>A (p.Glu591Lys)

Gene: PDE6C (phosphodiesterase 6C; plus strand). Cytogenetic location: 10q23.33.
Variant type: single nucleotide variant.
Coding change: c.1771G>A on transcript NM_006204.4 (MANE Select); coding-DNA position 1771, G replaced by A.
Protein change: p.Glu591Lys; replaces glutamic acid 591 with lysine.
Molecular consequence: missense variant.
Genome position (GRCh38, 1-based): chr10:93,640,953, G>A. VCF-style: chr10-93640953-G-A. GRCh37 (hg19) VCF-style: chr10-95400710-G-A.
Other names: short protein forms E591K.
Identifiers: ClinVar variation 835028 (VCV000835028.14), dbSNP rs752963712, ClinGen allele CA5610296.